The following is an entry in ClinVar:

ClinVar aggregate classification (germline): Uncertain significance. Review status: criteria provided, single submitter (1 of 4 stars). 2 submissions from 2 submitters: Uncertain significance (1). 1 of the submissions does not count toward it. Last evaluated 2023-07-18.

Conditions:
OTX2-related disorder. Also called: OTX2-related disorders; OTX2-related condition.

gnomAD v4.1: 4 of 1,613,904 alleles (0.00025%); highest among the groups gnomAD compares: Non-Finnish European, 0.00034%; no homozygotes.

Submissions (2):

Blueprint Genetics
Classification: Uncertain significance. Last evaluated: 2023-07-18. Review status: criteria provided, single submitter. Criteria: ACMG Guidelines, 2015. Collection method: clinical testing. Allele origin: germline.

PreventionGenetics, part of Exact Sciences
Classification: Uncertain significance for OTX2-related condition. Last evaluated: 2024-03-28. Review status: no assertion criteria provided. Collection method: clinical testing. Allele origin: germline. Not counted in ClinVar's aggregate classification.
Comment: The OTX2 c.532A>G variant is predicted to result in the amino acid substitution p.Thr178Ala. To our knowledge, this variant has not been reported in the literature or in a large population database, indicating this variant is rare. At this time, the clinical significance of this variant is uncertain due to the absence of conclusive functional and genetic evidence.

NM_021728.4(OTX2):c.556A>G (p.Thr186Ala)

Gene: OTX2 (orthodenticle homeobox 2; minus strand). Cytogenetic location: 14q22.3.
Variant type: single nucleotide variant.
Coding change: c.556A>G on transcript NM_021728.4 (MANE Select); coding-DNA position 556, A replaced by G.
Protein change: p.Thr186Ala; replaces threonine 186 with alanine.
Molecular consequence: missense variant. On other transcripts: non-coding transcript variant (2).
Genome position (GRCh38, 1-based): chr14:56,802,073, T>C on the plus strand (A>G on the coding strand, the complement: OTX2 is on the minus strand). VCF-style: chr14-56802073-T-C. GRCh37 (hg19) VCF-style: chr14-57268791-T-C.
Other names: c.532A>G, p.Thr178Ala (NM_001270523.2, NM_001270524.2, NM_172337.3); c.556A>G, p.Thr186Ala (NM_001270525.2); short protein forms T178A, T186A.
Identifiers: ClinVar variation 3353907 (VCV003353907.2).